The following is an entry in ClinVar:

NM_001458.5(FLNC):c.5746G>A (p.Val1916Met)

Genes: FLNC (filamin C; plus strand), FLNC-AS1 (FLNC antisense RNA 1; minus strand). Cytogenetic location: 7q32.1.
Variant type: single nucleotide variant.
Coding change: c.5746G>A on transcript NM_001458.5 (MANE Select); coding-DNA position 5746, G replaced by A.
Protein change: p.Val1916Met; replaces valine 1916 with methionine.
Molecular consequence: missense variant.
Genome position (GRCh38, 1-based): chr7:128,851,532, G>A. VCF-style: chr7-128851532-G-A. GRCh37 (hg19) VCF-style: chr7-128491586-G-A.
Other names: c.5647G>A, p.Val1883Met (NM_001127487.2); short protein forms V1916M, V1883M.
Identifiers: ClinVar variation 572381 (VCV000572381.13), dbSNP rs763551371, ClinGen allele CA4475770.
Genomic context (GRCh38, chr7:128,851,532, plus strand): 5'-GTGGAGGGCCCATCCAAGGCAGAGATCACCTGTAAGGACAACAAGGATGGCACCTGCACC[G>A]TGTCCTATCTGCCGACTGCGCCTGGAGACTACAGCATCATCGTGCGCTTCGATGACAAGC-3'
Protein context (NP_001449.3, residues 1906-1926): CKDNKDGTCT[Val1916Met]SYLPTAPGDY

ClinVar aggregate classification (germline): Conflicting classifications of pathogenicity. Review status: criteria provided, conflicting classifications (1 of 4 stars). 4 submissions from 4 submitters: Uncertain significance (3); Likely benign (1). Last evaluated 2024-03-03.

Conditions:
Myofibrillar myopathy 5. Also called: FILAMINOPATHY, AUTOSOMAL DOMINANT; Filaminopathy (type). Identifiers: Orphanet 171445, MedGen C1836050, MONDO:0012289, OMIM 609524.
Hypertrophic cardiomyopathy 26. Also called: Cardiomyopathy, familial hypertrophic, 26. Identifiers: Orphanet 75249, MedGen C4310749, MONDO:0014883, OMIM 617047.
Distal myopathy with posterior leg and anterior hand involvement. Also called: WILLIAMS DISTAL MYOPATHY. Identifiers: Orphanet 63273, MedGen C3279722, MONDO:0013550, OMIM 614065.
Cardiovascular phenotype. Identifiers: MedGen CN230736.

Allele frequency attached by ClinVar (database versions not stated): TOPMed below 0.00001; gnomAD exomes 0.00001; ExAC 0.00002; gnomAD 0.00002.
gnomAD v4.1: 15 of 1,613,876 alleles (0.00093%); highest among the groups gnomAD compares: East Asian, 0.013%; no homozygotes.

Submissions (4):

Labcorp Genetics (formerly Invitae), Labcorp
Classification: Likely benign for Distal myopathy with posterior leg and anterior hand involvement; Myofibrillar myopathy 5; Hypertrophic cardiomyopathy 26. Last evaluated: 2024-03-03. Review status: criteria provided, single submitter. Criteria: Invitae Variant Classification Sherloc (09022015). Collection method: clinical testing. Allele origin: germline.

Ambry Genetics
Classification: Uncertain significance for Cardiovascular phenotype. Last evaluated: 2024-01-02. Review status: criteria provided, single submitter. Criteria: Ambry Variant Classification Scheme 2023. Collection method: clinical testing. Allele origin: germline.
Comment: The p.V1916M variant (also known as c.5746G>A), located in coding exon 35 of the FLNC gene, results from a G to A substitution at nucleotide position 5746. The valine at codon 1916 is replaced by methionine, an amino acid with highly similar properties. This variant has been detected in an individual with restrictive cardiomyopathy (Ware SM et al. Am J Hum Genet, 2022 Feb;109:282-298). This amino acid position is highly conserved in available vertebrate species. In addition, this alteration is predicted to be deleterious by in silico analysis. Since supporting evidence is limited at this time, the clinical significance of this alteration remains unclear.

GeneDx
Classification: Uncertain significance. Last evaluated: 2023-07-29. Review status: criteria provided, single submitter. Criteria: GeneDx Variant Classification Process June 2021. Collection method: clinical testing. Allele origin: germline. Affected: yes.
Comment: Not observed at significant frequency in large population cohorts (gnomAD); In silico analysis supports that this missense variant has a deleterious effect on protein structure/function; Has not been previously published as pathogenic or benign to our knowledge

Revvity Omics, Revvity
Classification: Uncertain significance. Last evaluated: 2020-10-08. Review status: criteria provided, single submitter. Criteria: ACMG Guidelines, 2015. Collection method: clinical testing. Allele origin: germline.

Literature cited by the submitters: PubMed 35026164 (cited by Ambry Genetics).